The following is an entry in ClinVar:

ClinVar aggregate classification (germline): Uncertain significance. Review status: criteria provided, multiple submitters, no conflicts (2 of 4 stars). 2 submissions from 2 submitters: Uncertain significance (2). Last evaluated 2025-02-13.

Allele frequency attached by ClinVar (database versions not stated): TOPMed 0.00001.

Submissions (2):

Ambry Genetics
Classification: Uncertain significance. Last evaluated: 2025-02-13. Review status: criteria provided, single submitter. Criteria: Ambry Variant Classification Scheme 2023. Collection method: clinical testing. Allele origin: germline.

Labcorp Genetics (formerly Invitae), Labcorp
Classification: Uncertain significance. Last evaluated: 2021-06-12. Review status: criteria provided, single submitter. Criteria: Invitae Variant Classification Sherloc (09022015). Collection method: clinical testing. Allele origin: germline.
Comment: Algorithms developed to predict the effect of missense changes on protein structure and function (SIFT, PolyPhen-2, Align-GVGD) all suggest that this variant is likely to be tolerated, but these predictions have not been confirmed by published functional studies and their clinical significance is uncertain. In summary, the available evidence is currently insufficient to determine the role of this variant in disease. Therefore, it has been classified as a Variant of Uncertain Significance. This variant has not been reported in the literature in individuals with TAOK2-related conditions. This variant is not present in population databases (ExAC no frequency). This sequence change replaces isoleucine with methionine at codon 1081 of the TAOK2 protein (p.Ile1081Met). The isoleucine residue is weakly conserved and there is a small physicochemical difference between isoleucine and methionine.

NM_016151.4(TAOK2):c.3243A>G (p.Ile1081Met)

Gene: TAOK2 (TAO kinase 2; plus strand). Cytogenetic location: 16p11.2.
Variant type: single nucleotide variant.
Coding change: c.3243A>G on transcript NM_016151.4 (MANE Select); coding-DNA position 3243, A replaced by G.
Protein change: p.Ile1081Met; replaces isoleucine 1081 with methionine.
Molecular consequence: missense variant. On other transcripts: intron variant (1).
Genome position (GRCh38, 1-based): chr16:29,987,515, A>G. VCF-style: chr16-29987515-A-G. GRCh37 (hg19) VCF-style: chr16-29998836-A-G.
Other names: c.2232+1011A>G (NM_004783.4); c.2904A>G, p.Ile968Met (NM_001252043.2); c.3243A>G (NM_016151.2); short protein forms I968M, I1081M.
Identifiers: ClinVar variation 1404833 (VCV001404833.9), dbSNP rs942365388, ClinGen allele CA280400798.